The following is an entry in ClinVar:

NM_198525.3(KIF7):c.3087G>C (p.Arg1029Ser)

Gene: KIF7 (kinesin family member 7; minus strand). Cytogenetic location: 15q26.1.
Variant type: single nucleotide variant.
Coding change: c.3087G>C on transcript NM_198525.3 (MANE Select); coding-DNA position 3087, G replaced by C.
Protein change: p.Arg1029Ser; replaces arginine 1029 with serine.
Molecular consequence: missense variant.
Genome position (GRCh38, 1-based): chr15:89,631,519, C>G on the plus strand (G>C on the coding strand, the complement: KIF7 is on the minus strand). VCF-style: chr15-89631519-C-G. GRCh37 (hg19) VCF-style: chr15-90174750-C-G.
Other names: short protein forms R1029S.
Identifiers: ClinVar variation 1479191 (VCV001479191.8), dbSNP rs547282977, ClinGen allele CA7727838.

ClinVar aggregate classification (germline): Uncertain significance (1 of 4 stars; one submission).

Conditions:
Acrocallosal syndrome (ACLS). Also called: HALLUX DUPLICATION, POSTAXIAL POLYDACTYLY, AND ABSENCE OF CORPUS CALLOSUM; Schinzel syndrome 1; Absence of corpus callosum with unusual facial appearance, mental deficiency, duplication of the halluces and polydactyly. Identifiers: Orphanet 36, MedGen C0796147, MONDO:0008708, OMIM 200990.

Allele frequency attached by ClinVar (database versions not stated): gnomAD 0.00001; ExAC 0.00003; 1000 Genomes Project 0.00020.
gnomAD v4.1: 2 of 1,581,220 alleles (0.00013%); highest among the groups gnomAD compares: Admixed American, 0.0018%; no homozygotes.

Submission:

Labcorp Genetics (formerly Invitae), Labcorp
Classification: Uncertain significance for Acrocallosal syndrome. Last evaluated: 2022-07-27. Review status: criteria provided, single submitter. Criteria: Invitae Variant Classification Sherloc (09022015). Collection method: clinical testing. Allele origin: germline.
Comment: This sequence change replaces arginine, which is basic and polar, with serine, which is neutral and polar, at codon 1029 of the KIF7 protein (p.Arg1029Ser). The frequency data for this variant in the population databases is considered unreliable, as metrics indicate poor data quality at this position in the gnomAD database. This variant has not been reported in the literature in individuals affected with KIF7-related conditions. ClinVar contains an entry for this variant (Variation ID: 1479191). Algorithms developed to predict the effect of missense changes on protein structure and function are either unavailable or do not agree on the potential impact of this missense change (SIFT: "Deleterious"; PolyPhen-2: "Benign"; Align-GVGD: "Class C0"). In summary, the available evidence is currently insufficient to determine the role of this variant in disease. Therefore, it has been classified as a Variant of Uncertain Significance.